The following is an entry in ClinVar:

ClinVar aggregate classification (germline): Likely pathogenic (1 of 4 stars; one submission).

Submission:

GeneDx
Classification: Likely pathogenic. Last evaluated: 2017-10-18. Review status: criteria provided, single submitter. Criteria: GeneDx Variant Classification (06012015). Collection method: clinical testing. Allele origin: germline. Affected: yes.
Comment: The c.283delT variant in the SECISBP2 gene has not been reported previously as a pathogenic variant nor as a benign variant, to our knowledge. The c.283delT variant causes a frameshift starting with codon Tyrosine 95, changes this amino acid to an Isoleucine residue, and creates a premature Stop codon at position 31 of the new reading frame, denoted p.Tyr95IlefsX31. This variant is predicted to cause loss of normal protein function either through protein truncation or nonsense-mediated mRNA decay. The c.283delT variant is not observed in large population cohorts (Lek et al., 2016). We interpret c.283delT as a likely pathogenic variant.

NM_024077.5(SECISBP2):c.283del (p.Tyr95fs)

Gene: SECISBP2 (SECIS binding protein 2; plus strand). Cytogenetic location: 9q22.2.
Variant type: Deletion.
Coding change: c.283del on transcript NM_024077.5 (MANE Select); coding-DNA position 283, one base deleted (T; older notation c.283delT).
Protein change: p.Tyr95fs; shifts the reading frame from tyrosine 95.
Molecular consequence: frameshift variant. On other transcripts: 5 prime UTR variant (1), intron variant (1).
Genome position (GRCh38, 1-based): chr9:89,325,527, T deleted; the last of 2 consecutive T bases (chr9:89,325,526-89,325,527); deleting either gives the same sequence. VCF-style (leftmost placement, unchanged base first): chr9-89325525-CT-C. GRCh37 (hg19) VCF-style: chr9-91940440-CT-C.
Other names: c.283del, p.Tyr95fs (NM_001282688.2, NM_001354696.2, NM_001354697.2 and 1 more transcripts); c.79del, p.Tyr27fs (NM_001282690.1); c.-565del (NM_001354702.2); c.85-21del (NM_001282689.2); short protein forms Y95fs, Y27fs.
Identifiers: ClinVar variation 452803 (VCV000452803.2), dbSNP rs1554716257, ClinGen allele CA658657872.